The following is an entry in ClinVar:

ClinVar aggregate classification (germline): Uncertain significance (1 of 4 stars; one submission).

Conditions:
Severe myoclonic epilepsy in infancy (DRVT). Also called: SEVERE MYOCLONIC EPILEPSY OF INFANCY; DEVELOPMENTAL AND EPILEPTIC ENCEPHALOPATHY 6A; Severe Myoclonic Epilepsy in Infancy (SMEI); Dravet syndrome; Epileptic encephalopathy, early infantile, 6 (Dravet syndrome). Identifiers: Orphanet 33069, MedGen C0751122, MONDO:0100135, OMIM 607208.

Allele frequency attached by ClinVar (database versions not stated): gnomAD exomes below 0.00001; TOPMed below 0.00001.
gnomAD v4.1: 2 of 1,612,022 alleles (0.00012%); highest among the groups gnomAD compares: Admixed American, 0.0033%; no homozygotes.

Submission:

Labcorp Genetics (formerly Invitae), Labcorp
Classification: Uncertain significance for Severe myoclonic epilepsy in infancy. Last evaluated: 2017-11-02. Review status: criteria provided, single submitter. Criteria: Invitae Variant Classification Sherloc (09022015). Collection method: clinical testing. Allele origin: germline.
Comment: This variant is present in population databases (rs754578785, ExAC 0.009%). In summary, the available evidence is currently insufficient to determine the role of this variant in disease. Therefore, it has been classified as a Variant of Uncertain Significance. Algorithms developed to predict the effect of missense changes on protein structure and function do not agree on the potential impact of this missense change (SIFT: "Deleterious"; PolyPhen-2: "Benign"; Align-GVGD: "Class C55"). This variant has not been reported in the literature in individuals with SNX27-related disease. This sequence change replaces serine with glycine at codon 295 of the SNX27 protein (p.Ser295Gly). The serine residue is highly conserved and there is a small physicochemical difference between serine and glycine.

NM_001330723.2(SNX27):c.883A>G (p.Ser295Gly)

Gene: SNX27 (sorting nexin 27; plus strand). Cytogenetic location: 1q21.3.
Variant type: single nucleotide variant.
Coding change: c.883A>G on transcript NM_001330723.2 (MANE Select); coding-DNA position 883, A replaced by G.
Protein change: p.Ser295Gly; replaces serine 295 with glycine.
Molecular consequence: missense variant.
Genome position (GRCh38, 1-based): chr1:151,662,247, A>G. VCF-style: chr1-151662247-A-G. GRCh37 (hg19) VCF-style: chr1-151634723-A-G.
Other names: c.883A>G, p.Ser295Gly (NM_030918.6); short protein forms S295G.
Identifiers: ClinVar variation 531719 (VCV000531719.9), dbSNP rs754578785, ClinGen allele CA1093517.